The following is an entry in ClinVar:

NM_020686.6(ABAT):c.659G>A (p.Arg220Lys)

Gene: ABAT (4-aminobutyrate aminotransferase; plus strand). Cytogenetic location: 16p13.2.
Variant type: single nucleotide variant.
Coding change: c.659G>A on transcript NM_020686.6 (MANE Select); coding-DNA position 659, G replaced by A.
Protein change: p.Arg220Lys; replaces arginine 220 with lysine.
Molecular consequence: missense variant.
Genome position (GRCh38, 1-based): chr16:8,768,248, G>A. VCF-style: chr16-8768248-G-A. GRCh37 (hg19) VCF-style: chr16-8862105-G-A.
Other names: c.659G>A, p.Arg220Lys (NM_000663.5, NM_001127448.2, NM_001386600.1 and 7 more transcripts); c.596G>A, p.Arg199Lys (NM_001386606.1, NM_001386607.1); c.566G>A, p.Arg189Lys (NM_001386608.1); c.524G>A, p.Arg175Lys (NM_001386610.1, NM_001386611.1); c.461G>A, p.Arg154Lys (NM_001386612.1, NM_001386613.1); c.413G>A, p.Arg138Lys (NM_001386614.1); c.755G>A, p.Arg252Lys (NM_001386615.1); short protein forms R220K, R138K, R154K, R175K, R189K, R199K, R252K.
Identifiers: ClinVar variation 16216 (VCV000016216.3), dbSNP rs121434578, ClinGen allele CA126278.

ClinVar aggregate classification (germline): Pathogenic. Review status: criteria provided, single submitter (1 of 4 stars). 2 submissions from 2 submitters: Pathogenic (1). 1 of the submissions does not count toward it. Last evaluated 2014-01-01.

Conditions:
Gamma-aminobutyric acid transaminase deficiency (GABATD). Also called: GABA transaminase deficiency; Gamma aminobutyrate transaminase deficiency; 4 alpha aminobutyrate transaminase deficiency; GABA aminotransaminase deficiency. Identifiers: Orphanet 2066, MedGen C0342708, MONDO:0013166, OMIM 613163.

Submissions (2):

Bonnen Lab, Baylor College of Medicine
Classification: Pathogenic for Gamma-aminobutyric acid transaminase deficiency. Last evaluated: 2014-01-01. Review status: criteria provided, single submitter. Criteria: Submitter's publication. Collection method: research. Allele origin: germline. Inheritance: Autosomal recessive inheritance. Affected: yes. Observed: 1 variant allele, 1 compound heterozygote.
Comment: clinical and in vitro studies

OMIM
Classification: Pathogenic for GABA-TRANSAMINASE DEFICIENCY. Last evaluated: 2010-02-01. Review status: no assertion criteria provided. Collection method: literature only. Allele origin: germline. Not counted in ClinVar's aggregate classification.

Literature cited by the submitters: PubMed 20052547 (cited by Bonnen Lab, Baylor College of Medicine and OMIM); PubMed 6148708 (cited by OMIM); PubMed 10407778 (cited by OMIM).